The following is an entry in ClinVar:

NM_001243279.3(ACSF3):c.1126+4C>T

Genes: ACSF3 (acyl-CoA synthetase family member 3; plus strand), LOC125177393 (P300/CBP strongly-dependent group 1 enhancer GRCh37_chr16:89180375-89181574; plus strand). Cytogenetic location: 16q24.3.
Variant type: single nucleotide variant.
Coding change: c.1126+4C>T on transcript NM_001243279.3 (MANE Select); 4 bases into the intron after coding-DNA position 1126, C replaced by T.
Molecular consequence: intron variant.
Genome position (GRCh38, 1-based): chr16:89,114,491, C>T. VCF-style: chr16-89114491-C-T. GRCh37 (hg19) VCF-style: chr16-89180899-C-T.
Other names: c.1126+4C>T (NM_001127214.4, NM_174917.5); c.331+4C>T (NM_001284316.2).
Identifiers: ClinVar variation 382399 (VCV000382399.13), dbSNP rs73254029, ClinGen allele CA8237977.

ClinVar aggregate classification (germline): Benign. Review status: criteria provided, multiple submitters, no conflicts (2 of 4 stars). 3 submissions from 3 submitters: Benign (2). 1 of the submissions does not count toward it. Last evaluated 2026-01-31.

Conditions:
Combined malonic and methylmalonic acidemia. Identifiers: Orphanet 289504, MedGen C3280314, MONDO:0013661, OMIM 614265.

Allele frequency attached by ClinVar (database versions not stated): gnomAD exomes 0.00114 and 0.00225; ExAC 0.00259; gnomAD 0.00823 and 0.00878; ESP Exome Variant Server 0.00839; 1000 Genomes Project 0.00879; TOPMed 0.00879; 1000 Genomes Project 30x 0.00906.
gnomAD v4.1: 2,924 of 1,610,826 alleles (0.18%); highest among the groups gnomAD compares: African/African-American, 2.8%; 45 homozygotes.

Submissions (3):

Labcorp Genetics (formerly Invitae), Labcorp
Classification: Benign for Combined malonic and methylmalonic acidemia. Last evaluated: 2026-01-31. Review status: criteria provided, single submitter. Criteria: Invitae Variant Classification Sherloc (09022015). Collection method: clinical testing. Allele origin: germline.

GeneDx
Classification: Benign. Last evaluated: 2016-02-22. Review status: criteria provided, single submitter. Criteria: GeneDx Variant Classification (06012015). Collection method: clinical testing. Allele origin: germline. Affected: yes.
Comment: This variant is considered likely benign or benign based on one or more of the following criteria: it is a conservative change, it occurs at a poorly conserved position in the protein, it is predicted to be benign by multiple in silico algorithms, and/or has population frequency not consistent with disease.

Natera, Inc.
Classification: Benign for Combined malonic and methylmalonic aciduria. Last evaluated: 2020-09-16. Review status: no assertion criteria provided. Collection method: clinical testing. Allele origin: germline. Not counted in ClinVar's aggregate classification.